The following is an entry in ClinVar:

ClinVar aggregate classification (germline): Benign/Likely benign. Review status: criteria provided, multiple submitters, no conflicts (2 of 4 stars). 2 submissions from 2 submitters: Benign (1); Likely benign (1). Last evaluated 2024-02-26.

Allele frequency attached by ClinVar (database versions not stated): gnomAD 0.00002; TOPMed 0.00002; gnomAD exomes 0.00008; ExAC 0.00011.
gnomAD v4.1: 122 of 1,613,516 alleles (0.0076%); highest among the groups gnomAD compares: South Asian, 0.12%; 2 homozygotes.

Submissions (2):

Labcorp Genetics (formerly Invitae), Labcorp
Classification: Benign. Last evaluated: 2024-02-26. Review status: criteria provided, single submitter. Criteria: Invitae Variant Classification Sherloc (09022015). Collection method: clinical testing. Allele origin: germline.

CeGaT Center for Human Genetics Tuebingen
Classification: Likely benign. Last evaluated: 2024-01-01. Review status: criteria provided, single submitter. Criteria: CeGaT Center For Human Genetics Tuebingen Variant Classification Criteria Version 2. Collection method: clinical testing. Allele origin: germline. Affected: yes. Observed: 1 variant allele.
Comment: GRM1: BP4, BP7

NM_001278064.2(GRM1):c.669T>C (p.Asn223=)

Gene: GRM1 (glutamate metabotropic receptor 1; plus strand). Cytogenetic location: 6q24.3.
Variant type: single nucleotide variant.
Coding change: c.669T>C on transcript NM_001278064.2 (MANE Select); coding-DNA position 669, T replaced by C.
Protein change: p.Asn223=; no amino-acid change (asparagine 223 retained).
Molecular consequence: synonymous variant.
Genome position (GRCh38, 1-based): chr6:146,030,186, T>C. VCF-style: chr6-146030186-T-C. GRCh37 (hg19) VCF-style: chr6-146351322-T-C.
Other names: c.669T>C, p.Asn223= (NM_001278065.2, NM_001278066.1, NM_001278067.1).
Identifiers: ClinVar variation 2156579 (VCV002156579.26), dbSNP rs759368561, ClinGen allele CA4037091.